The following is an entry in ClinVar:

NM_017890.5(VPS13B):c.4165G>T (p.Glu1389Ter)

Gene: VPS13B (vacuolar protein sorting 13 homolog B; plus strand). Cytogenetic location: 8q22.2.
Variant type: single nucleotide variant.
Coding change: c.4165G>T on transcript NM_017890.5 (MANE Plus Clinical); coding-DNA position 4165, G replaced by T.
Protein change: p.Glu1389Ter; replaces glutamic acid 1389 with a stop codon.
Molecular consequence: nonsense. On other transcripts: intron variant (1).
Genome position (GRCh38, 1-based): chr8:99,507,777, G>T. VCF-style: chr8-99507777-G-T. GRCh37 (hg19) VCF-style: chr8-100520005-G-T.
Other names: c.4224+574G>T (NM_152564.5); short protein forms E1389*.
Identifiers: ClinVar variation 2857755 (VCV002857755.3), dbSNP rs1821577573, ClinGen allele CA371870484.
Genomic context (GRCh38, chr8:99,507,777, plus strand): 5'-CTTTTATTGCTTTTTGTCTTTTCACCTTCTTTGCTCCTGTCCATCACTTCAAGCCTTGGG[G>T]AAGAGTGTTGGTCTTTGGGGCAATGTGGAGGTGTCTTCCTTTCCTGTACTGACAAGCTGA-3'

ClinVar aggregate classification (germline): Pathogenic (1 of 4 stars; one submission).

Conditions:
Cohen syndrome (COH1). Also called: PEPPER SYNDROME; Cutis verticis gyrata, retinitis pigmentosa, and sensorineural deafness. Identifiers: Orphanet 193, MedGen C0265223, MONDO:0008999, OMIM 216550.

Submission:

Labcorp Genetics (formerly Invitae), Labcorp
Classification: Pathogenic for Cohen syndrome. Last evaluated: 2024-03-04. Review status: criteria provided, single submitter. Criteria: Invitae Variant Classification Sherloc (09022015). Collection method: clinical testing. Allele origin: germline.
Comment: This sequence change creates a premature translational stop signal (p.Glu1389*) in the VPS13B gene. It is expected to result in an absent or disrupted protein product. Loss-of-function variants in VPS13B are known to be pathogenic (PMID: 15141358, 16648375, 20461111). This variant is not present in population databases (gnomAD no frequency). This variant has not been reported in the literature in individuals affected with VPS13B-related conditions. Algorithms developed to predict the effect of sequence changes on RNA splicing suggest that this variant may disrupt the consensus splice site. For these reasons, this variant has been classified as Pathogenic.

Literature cited by the submitters: PubMed 15141358; PubMed 16648375; PubMed 20461111.